The following is an entry in ClinVar:

NM_004614.5(TK2):c.331A>G (p.Thr111Ala)

Gene: TK2 (thymidine kinase 2; minus strand). Cytogenetic location: 16q21.
Variant type: single nucleotide variant.
Coding change: c.331A>G on transcript NM_004614.5 (MANE Select); coding-DNA position 331, A replaced by G.
Protein change: p.Thr111Ala; replaces threonine 111 with alanine.
Molecular consequence: missense variant. On other transcripts: non-coding transcript variant (1).
Genome position (GRCh38, 1-based): chr16:66,531,424, T>C on the plus strand (A>G on the coding strand, the complement: TK2 is on the minus strand). VCF-style: chr16-66531424-T-C. GRCh37 (hg19) VCF-style: chr16-66565327-T-C.
Other names: c.238A>G, p.Thr80Ala (NM_001172643.1, NM_001271935.1); c.256A>G, p.Thr86Ala (NM_001172644.2); c.277A>G, p.Thr93Ala (NM_001172645.2); c.184A>G, p.Thr62Ala (NM_001271934.2); c.40A>G, p.Thr14Ala (NM_001272050.2); short protein forms T111A, T14A, T62A, T80A, T86A, T93A.
Identifiers: ClinVar variation 3897062 (VCV003897062.1).

ClinVar aggregate classification (germline): Conflicting classifications of pathogenicity. Review status: criteria provided, conflicting classifications (1 of 4 stars). 2 submissions from 1 submitter: Likely pathogenic (1); Uncertain significance (1). Last evaluated 2024-03-14.

Conditions:
Progressive external ophthalmoplegia with mitochondrial DNA deletions, autosomal recessive 3 (PEOB3). Also called: PROGRESSIVE EXTERNAL OPHTHALMOPLEGIA, AUTOSOMAL RECESSIVE 3. Identifiers: Orphanet 254886, MedGen C4310734, MONDO:0014898, OMIM 617069.
Mitochondrial DNA depletion syndrome, myopathic form (MTDPS2). Also called: TK2-Related Mitochondrial DNA Maintenance Defect, Myopathic Form; MITOCHONDRIAL DNA DEPLETION MYOPATHY, TK2-RELATED; MITOCHONDRIAL DNA DEPLETION SYNDROME 2 (MYOPATHIC TYPE). Identifiers: Orphanet 254875, MedGen C3149750, MONDO:0012301, OMIM 609560.

Submissions (2):

Kariminejad - Najmabadi Pathology & Genetics Center
Classification: Uncertain significance for Progressive external ophthalmoplegia with mitochondrial DNA deletions, autosomal recessive 3; Mitochondrial DNA depletion syndrome, myopathic form. Last evaluated: 2024-03-14. Review status: criteria provided, single submitter. Criteria: ACMG Guidelines, 2015. Collection method: clinical testing. Allele origin: germline. Inheritance: Autosomal recessive inheritance. Affected: yes.
Comment: PM1, PP5, PM2, PP3, PP2

Kariminejad - Najmabadi Pathology & Genetics Center
Classification: Likely pathogenic for Mitochondrial DNA depletion syndrome, myopathic form. Last evaluated: 2024-03-11. Review status: criteria provided, single submitter. Criteria: ACMG Guidelines, 2015. Collection method: clinical testing. Allele origin: germline. Inheritance: Autosomal recessive inheritance. Affected: yes.
Comment: PM2- PP3- PM1- PP2